The following is an entry in ClinVar:

NM_014915.3(ANKRD26):c.320A>T (p.Asn107Ile)

Gene: ANKRD26 (ankyrin repeat domain containing 26; minus strand). Cytogenetic location: 10p12.1.
Variant type: single nucleotide variant.
Coding change: c.320A>T on transcript NM_014915.3 (MANE Select); coding-DNA position 320, A replaced by T.
Protein change: p.Asn107Ile; replaces asparagine 107 with isoleucine.
Molecular consequence: missense variant.
Genome position (GRCh38, 1-based): chr10:27,093,722, T>A on the plus strand (A>T on the coding strand, the complement: ANKRD26 is on the minus strand). VCF-style: chr10-27093722-T-A. GRCh37 (hg19) VCF-style: chr10-27382651-T-A.
Other names: c.320A>T, p.Asn107Ile (NM_001256053.2); short protein forms N107I.
Identifiers: ClinVar variation 3359873 (VCV003359873.2).

ClinVar aggregate classification (germline): Uncertain significance. Review status: criteria provided, multiple submitters, no conflicts (2 of 4 stars). 2 submissions from 2 submitters: Uncertain significance (2). Last evaluated 2025-02-16.

Conditions:
Inborn genetic diseases. Identifiers: MedGen C0950123, MeSH D030342.

gnomAD v4.1: 2 of 1,614,126 alleles (0.00012%); highest among the groups gnomAD compares: African/African-American, 0.0027%; no homozygotes.

Submissions (2):

Ambry Genetics
Classification: Uncertain significance for Inborn genetic diseases. Last evaluated: 2025-02-16. Review status: criteria provided, single submitter. Criteria: Ambry Variant Classification Scheme 2023. Collection method: clinical testing. Allele origin: germline.
Comment: The p.N107I variant (also known as c.320A>T), located in coding exon 2 of the ANKRD26 gene, results from an A to T substitution at nucleotide position 320. The asparagine at codon 107 is replaced by isoleucine, an amino acid with dissimilar properties. This amino acid position is conserved. In addition, the in silico prediction for this alteration is inconclusive. Based on the available evidence, the clinical significance of this variant remains unclear.

GeneDx
Classification: Uncertain significance. Last evaluated: 2023-06-12. Review status: criteria provided, single submitter. Criteria: GeneDx Variant Classification Process June 2021. Collection method: clinical testing. Allele origin: germline. Affected: yes.
Comment: Not observed at significant frequency in large population cohorts (gnomAD); In silico analysis supports that this missense variant has a deleterious effect on protein structure/function; Has not been previously published as pathogenic or benign to our knowledge